The following is an entry in ClinVar:

NM_052844.4(DYNC2I2):c.1214+4C>T

Gene: DYNC2I2 (dynein 2 intermediate chain 2; minus strand). Cytogenetic location: 9q34.11.
Variant type: single nucleotide variant.
Coding change: c.1214+4C>T on transcript NM_052844.4 (MANE Select); 4 bases into the intron after coding-DNA position 1214, C replaced by T.
Molecular consequence: intron variant.
Genome position (GRCh38, 1-based): chr9:128,634,685, G>A on the plus strand (C>T on the coding strand, the complement: DYNC2I2 is on the minus strand). VCF-style: chr9-128634685-G-A. GRCh37 (hg19) VCF-style: chr9-131396964-G-A.
Identifiers: ClinVar variation 4981199 (VCV004981199.1).

ClinVar aggregate classification (germline): Likely benign (1 of 4 stars; one submission).

Conditions:
DYNC2I2-related disorder. Also called: DYNC2I2-related condition.

gnomAD v4.1: 131 of 1,547,808 alleles (0.0085%); highest among the groups gnomAD compares: South Asian, 0.11%; 1 homozygote.

Submission:

PreventionGenetics, part of Exact Sciences
Classification: Likely benign for DYNC2I2-related condition. Last evaluated: 2026-09-06. Review status: criteria provided, single submitter. Criteria: ACMG Guidelines, 2015. Collection method: clinical testing. Allele origin: germline.
Comment: This variant is classified as likely benign based on ACMG/AMP sequence variant interpretation guidelines (Richards et al. 2015 PMID: 25741868, with internal and published modifications).